The following is an entry in ClinVar:

NM_004519.4(KCNQ3):c.2342G>A (p.Ser781Asn)

Gene: KCNQ3 (potassium voltage-gated channel subfamily Q member 3; minus strand). Cytogenetic location: 8q24.22.
Variant type: single nucleotide variant.
Coding change: c.2342G>A on transcript NM_004519.4 (MANE Select); coding-DNA position 2342, G replaced by A.
Protein change: p.Ser781Asn; replaces serine 781 with asparagine.
Molecular consequence: missense variant.
Genome position (GRCh38, 1-based): chr8:132,129,539, C>T on the plus strand (G>A on the coding strand, the complement: KCNQ3 is on the minus strand). VCF-style: chr8-132129539-C-T. GRCh37 (hg19) VCF-style: chr8-133141786-C-T.
Other names: c.1982G>A, p.Ser661Asn (NM_001204824.2); short protein forms S661N, S781N.
Identifiers: ClinVar variation 2698257 (VCV002698257.3), dbSNP rs2536857201, ClinGen allele CA372216102.

ClinVar aggregate classification (germline): Uncertain significance (1 of 4 stars; one submission).

Conditions:
Benign neonatal seizures. Also called: Convulsions benign familial neonatal dominant form; Autosomal dominant form of benign neonatal seizures; Benign neonatal familial convulsions; Benign familial neonatal epilepsy; Benign familial neonatal seizures. Identifiers: Orphanet 1949, MedGen C0220669, MONDO:0016027.

Submission:

Labcorp Genetics (formerly Invitae), Labcorp
Classification: Uncertain significance for Benign neonatal seizures. Last evaluated: 2023-11-24. Review status: criteria provided, single submitter. Criteria: Invitae Variant Classification Sherloc (09022015). Collection method: clinical testing. Allele origin: germline.
Comment: This sequence change replaces serine, which is neutral and polar, with asparagine, which is neutral and polar, at codon 781 of the KCNQ3 protein (p.Ser781Asn). This variant is not present in population databases (gnomAD no frequency). This variant has not been reported in the literature in individuals affected with KCNQ3-related conditions. Advanced modeling of protein sequence and biophysical properties (such as structural, functional, and spatial information, amino acid conservation, physicochemical variation, residue mobility, and thermodynamic stability) performed at Invitae indicates that this missense variant is not expected to disrupt KCNQ3 protein function with a negative predictive value of 95%. In summary, the available evidence is currently insufficient to determine the role of this variant in disease. Therefore, it has been classified as a Variant of Uncertain Significance.